The following is an entry in ClinVar:

NM_000548.5(TSC2):c.4959C>T (p.Ser1653=)

Gene: TSC2 (TSC complex subunit 2; plus strand). Cytogenetic location: 16p13.3.
Variant type: single nucleotide variant.
Coding change: c.4959C>T on transcript NM_000548.5 (MANE Select); coding-DNA position 4959, C replaced by T.
Protein change: p.Ser1653=; no amino-acid change (serine 1653 retained).
Molecular consequence: synonymous variant.
Genome position (GRCh38, 1-based): chr16:2,086,841, C>T. VCF-style: chr16-2086841-C-T. GRCh37 (hg19) VCF-style: chr16-2136842-C-T.
Other names: p.Ser1653=; c.4959C>T (NM_000548.4); c.4758C>T, p.Ser1586= (NM_001077183.3); c.4890C>T, p.Ser1630= (NM_001114382.3); c.4650C>T, p.Ser1550= (NM_001318827.2); c.4614C>T, p.Ser1538= (NM_001318829.2); c.4227C>T, p.Ser1409= (NM_001318831.2); c.4791C>T, p.Ser1597= (NM_001318832.2); and 3 more.
Identifiers: ClinVar variation 49818 (VCV000049818.83), dbSNP rs45517384, ClinGen allele CA021408.

ClinVar aggregate classification (germline): Benign/Likely benign. Review status: criteria provided, multiple submitters, no conflicts (2 of 4 stars). 26 submissions from 25 submitters: Benign (19); Likely benign (1). 6 of the submissions do not count toward it. Last evaluated 2026-10-01.

Conditions:
Tuberous sclerosis 2 (TSC2). Identifiers: Orphanet 805, MedGen C1860707, MONDO:0013199, OMIM 613254.
Lymphangiomyomatosis (LAM). Also called: Lymphangioleiomyomatosis; Lymphangioleiomyomatosis, somatic. Identifiers: Orphanet 538, MedGen C0751674, MONDO:0011705, OMIM 606690.
Isolated focal cortical dysplasia type II (FCORD2). Also called: Focal cortical dysplasia type II; CORTICAL DYSPLASIA OF TAYLOR. Identifiers: Orphanet 268994, MedGen C1846385, MONDO:0011818, OMIM 607341, HP:0032051.
Tuberous sclerosis syndrome (TSC). Also called: Tuberous Sclerosis Complex; Tuberous sclerosis. Identifiers: Orphanet 805, MedGen C0041341, MONDO:0001734.
Hereditary cancer-predisposing syndrome. Also called: Neoplastic Syndromes, Hereditary; Tumor predisposition; Hereditary Cancer Syndrome; Hereditary neoplastic syndrome. Identifiers: Orphanet 140162, MedGen C0027672, MeSH D009386, MONDO:0015356.

Allele frequency attached by ClinVar (database versions not stated): TOPMed 0.00954; gnomAD exomes 0.00955 and 0.01222; gnomAD 0.00977 and 0.01015; ESP Exome Variant Server 0.01064; ExAC 0.01335; 1000 Genomes Project 0.00339; 1000 Genomes Project 30x 0.00453.
gnomAD v4.1: 19,154 of 1,603,860 alleles (1.2%); highest among the groups gnomAD compares: Non-Finnish European, 1.4%; 158 homozygotes.

Submissions (26):

CeGaT Center for Human Genetics Tuebingen
Classification: Benign. Last evaluated: 2026-10-01. Review status: criteria provided, single submitter. Criteria: CeGaT Center For Human Genetics Tuebingen Variant Classification Criteria Version 2. Collection method: clinical testing. Allele origin: germline. Affected: yes. Observed: 233 variant alleles.
Comment: TSC2: BP4, BP7, BS1, BS2

Labcorp Genetics (formerly Invitae), Labcorp
Classification: Benign for Tuberous sclerosis 2. Last evaluated: 2026-02-04. Review status: criteria provided, single submitter. Criteria: Invitae Variant Classification Sherloc (09022015). Collection method: clinical testing. Allele origin: germline.

Myriad Genetics, Inc.
Classification: Benign for Tuberous sclerosis 2. Last evaluated: 2025-06-05. Review status: criteria provided, single submitter. Criteria: Myriad Autosomal Dominant, Autosomal Recessive and X-Linked Classification Criteria (2023). Collection method: clinical testing. Allele origin: unknown.
Comment: This variant is considered benign. This variant has been observed at a population frequency that is significantly greater than expected given the associated disease prevalence and penetrance. Homozygosity has been confirmed in one or more individuals. As homozygosity for pathogenic variants in this gene is generally assumed to result in embryonic lethality, this variant is unlikely to be pathogenic.

ARUP Laboratories, Molecular Genetics and Genomics, ARUP Laboratories
Classification: Benign. Last evaluated: 2025-02-20. Review status: criteria provided, single submitter. Criteria: ARUP Molecular Germline Variant Investigation Process 2024. Collection method: clinical testing. Allele origin: germline.

Blueprint Genetics
Classification: Likely benign. Last evaluated: 2024-11-27. Review status: criteria provided, single submitter. Criteria: ACMG Guidelines, 2015. Collection method: clinical testing. Allele origin: germline.

Mayo Clinic Laboratories, Mayo Clinic
Classification: Benign. Last evaluated: 2024-11-27. Review status: criteria provided, single submitter. Criteria: ACMG Guidelines, 2015. Collection method: clinical testing. Allele origin: germline. Observed: 27 variant alleles.
Comment: BS1, BS2, BP4, BP7

All of Us Research Program, National Institutes of Health
Classification: Benign for Tuberous sclerosis syndrome. Last evaluated: 2024-02-05. Review status: criteria provided, single submitter. Criteria: ACMG Guidelines, 2015. Collection method: clinical testing. Allele origin: germline. Inheritance: Autosomal dominant inheritance. Observed: 2,331 variant alleles, 2,319 heterozygotes, 12 homozygotes.
Comment: This study involves interpretation of variants in research participants for the purpose of population health screening. Participant phenotype was not available at the time of variant classification. Additional details can be found in publication PMID: 35346344, PMCID: PMC8962531

KCCC/NGS Laboratory, Kuwait Cancer Control Center
Classification: Benign for Tuberous sclerosis 2. Last evaluated: 2023-07-07. Review status: criteria provided, single submitter. Criteria: ACMG Guidelines, 2015. Collection method: clinical testing. Allele origin: germline. Affected: yes.

Color Diagnostics, LLC DBA Color Health
Classification: Benign for Tuberous sclerosis syndrome. Last evaluated: 2022-09-20. Review status: criteria provided, single submitter. Criteria: ACMG Guidelines, 2015. Collection method: clinical testing. Allele origin: germline.

Quest Diagnostics Nichols Institute San Juan Capistrano
Classification: Benign. Last evaluated: 2022-02-07. Review status: criteria provided, single submitter. Criteria: Quest Diagnostics criteria. Collection method: clinical testing. Allele origin: unknown.

Department of Pathology and Laboratory Medicine, Sinai Health System
Classification: Benign for Lymphangiomyomatosis; Isolated focal cortical dysplasia type II; Tuberous sclerosis 2. Last evaluated: 2021-12-24. Review status: criteria provided, single submitter. Criteria: ACMG Guidelines, 2015. Collection method: clinical testing. Allele origin: germline. Affected: yes.

Genome-Nilou Lab
Classification: Benign for Tuberous sclerosis 2. Last evaluated: 2021-11-07. Review status: criteria provided, single submitter. Criteria: ACMG Guidelines, 2015. Collection method: clinical testing. Allele origin: germline. Affected: no.

Illumina Laboratory Services, Illumina
Classification: Benign for Tuberous sclerosis syndrome. Last evaluated: 2018-01-13. Review status: criteria provided, single submitter. Criteria: ICSL Variant Classification Criteria 13 December 2019. Collection method: clinical testing. Allele origin: germline.
Comment: This variant was observed in the ICSL laboratory as part of a predisposition screen in an ostensibly healthy population. It had not been previously curated by ICSL or reported in the Human Gene Mutation Database (HGMD: prior to June 1st, 2018), and was therefore a candidate for classification through an automated scoring system. Utilizing variant allele frequency, disease prevalence and penetrance estimates, and inheritance mode, an automated score was calculated to assess if this variant is too frequent to cause the disease. Based on the score and internal cut-off values, a variant classified as benign is not then subjected to further curation. The score for this variant resulted in a classification of benign for this disease.

Athena Diagnostics
Classification: Benign for Tuberous sclerosis 2. Last evaluated: 2017-05-25. Review status: criteria provided, single submitter. Criteria: Athena Diagnostics Criteria. Collection method: clinical testing. Allele origin: germline.

Women's Health and Genetics/Laboratory Corporation of America, LabCorp
Classification: Benign. Last evaluated: 2016-08-23. Review status: criteria provided, single submitter. Criteria: LabCorp Variant Classification Summary - May 2015. Collection method: clinical testing. Allele origin: germline.
Comment: Variant summary: The TSC2 c.4959C>T (p.Ser1653Ser) variant involves the alteration of a non-conserved nucleotide, resulting in a synonymous change. One in silico tool predicts a damaging outcome for this variant. 5/5 splice prediction tools predict no significant impact on normal splicing. ESE finder predicts that this variant may affect multiple ESE sites. However, these predictions have yet to be confirmed by functional studies. This variant was found in 944/70720 control chromosomes (3 homozygotes) at a frequency of 0.0133484, which is approximately 194 times the estimated maximal expected allele frequency of a pathogenic TSC2 variant (0.0000688), suggesting this variant is likely a benign polymorphism. Taken together, this variant is classified as benign.

GeneDx
Classification: Benign. Last evaluated: 2015-03-03. Review status: criteria provided, single submitter. Criteria: GeneDx Variant Classification Process June 2021. Collection method: clinical testing. Allele origin: germline. Affected: yes.

Ambry Genetics
Classification: Benign for Hereditary cancer-predisposing syndrome. Last evaluated: 2014-11-19. Review status: criteria provided, single submitter. Criteria: Ambry Variant Classification Scheme 2023. Collection method: clinical testing. Allele origin: germline.

Laboratory for Molecular Medicine, Mass General Brigham Personalized Medicine
Classification: Benign. Last evaluated: 2013-02-21. Review status: criteria provided, single submitter. Criteria: LMM Criteria. Collection method: clinical testing. Allele origin: germline. Observed: 2 variant alleles.
Comment: Ser1653Ser in exon 38 of TSC2: This variant is not expected to have clinical sig nificance because it does not alter an amino acid residue and is not located wit hin the splice consensus sequence. It has been identified in 1.5% (127/8580) of European American chromosomes from a broad population by the NHLBI Exome Sequenc ing Project (dbSNP rs45517384).

Breakthrough Genomics
Classification: Benign. Review status: criteria provided, single submitter. Criteria: ACMG Guidelines, 2015. Collection method: not provided. Allele origin: germline. Inheritance: Autosomal dominant inheritance. Affected: yes.

PreventionGenetics, part of Exact Sciences
Classification: Benign. Review status: criteria provided, single submitter. Criteria: ACMG Guidelines, 2015. Collection method: clinical testing. Allele origin: germline.

Clinical Genetics DNA and cytogenetics Diagnostics Lab, Erasmus MC, Erasmus Medical Center
Classification: Benign. Review status: no assertion criteria provided. Collection method: clinical testing. Allele origin: germline. Affected: yes. Study: VKGL Data-share Consensus. Not counted in ClinVar's aggregate classification.

Clinical Genetics, Academic Medical Center
Classification: Benign. Review status: no assertion criteria provided. Collection method: clinical testing. Allele origin: germline. Affected: yes. Study: VKGL Data-share Consensus. Not counted in ClinVar's aggregate classification.

Genome Diagnostics Laboratory, Amsterdam University Medical Center
Classification: Benign. Review status: no assertion criteria provided. Collection method: clinical testing. Allele origin: germline. Affected: yes. Study: VKGL Data-share Consensus. Not counted in ClinVar's aggregate classification.

Laboratory of Diagnostic Genome Analysis, Leiden University Medical Center (LUMC)
Classification: Benign. Review status: no assertion criteria provided. Collection method: clinical testing. Allele origin: germline. Affected: yes. Study: VKGL Data-share Consensus. Not counted in ClinVar's aggregate classification.

Tuberous sclerosis database (TSC2)
No classification provided. Condition: TSC. Review status: no classification provided. Criteria: Tuberous Sclerosis Database Assertion Criteria 2015. Collection method: curation. Allele origin: germline. Affected: yes. Not counted in ClinVar's aggregate classification.

Tuberous sclerosis database (TSC2)
No classification provided. Condition: TSC; LAM. Review status: no classification provided. Criteria: Tuberous Sclerosis Database Assertion Criteria 2015. Collection method: curation. Allele origin: germline. Affected: yes. Not counted in ClinVar's aggregate classification.

Literature cited by the submitters: PubMed 17304050 (cited by Quest Diagnostics Nichols Institute San Juan Capistrano); PubMed 16114042 (cited by Quest Diagnostics Nichols Institute San Juan Capistrano); PubMed 11521203 (cited by Quest Diagnostics Nichols Institute San Juan Capistrano).